The following is an entry in ClinVar:

NM_000535.7(PMS2):c.1022G>C (p.Arg341Thr)

Gene: PMS2 (PMS1 homolog 2, mismatch repair system component; minus strand). Cytogenetic location: 7p22.1.
Variant type: single nucleotide variant.
Coding change: c.1022G>C on transcript NM_000535.7 (MANE Select); coding-DNA position 1022, G replaced by C.
Protein change: p.Arg341Thr; replaces arginine 341 with threonine.
Molecular consequence: missense variant. On other transcripts: non-coding transcript variant (1), intron variant (2).
Genome position (GRCh38, 1-based): chr7:5,989,922, C>G on the plus strand (G>C on the coding strand, the complement: PMS2 is on the minus strand). VCF-style: chr7-5989922-C-G. GRCh37 (hg19) VCF-style: chr7-6029553-C-G.
Other names: c.617G>C, p.Arg206Thr (NM_001322003.2, NM_001322004.2, NM_001322005.2 and 1 more transcripts); c.704G>C, p.Arg235Thr (NM_001322007.2, NM_001322008.2); c.89G>C, p.Arg30Thr (NM_001322011.2, NM_001322012.2); c.449G>C, p.Arg150Thr (NM_001322013.2); c.1022G>C, p.Arg341Thr (NM_001322014.2); c.713G>C, p.Arg238Thr (NM_001322015.2); c.583+2051G>C (NM_001322010.2); c.988+2051G>C (NM_001322006.2); short protein forms R341T, R206T, R235T, R30T, R238T, R150T.
Identifiers: ClinVar variation 480308 (VCV000480308.6), dbSNP rs1554298800, ClinGen allele CA366742970.

ClinVar aggregate classification (germline): Uncertain significance. Review status: criteria provided, multiple submitters, no conflicts (2 of 4 stars). 2 submissions from 2 submitters: Uncertain significance (2). Last evaluated 2021-06-28.

Conditions:
Hereditary cancer-predisposing syndrome. Also called: Hereditary Cancer Syndrome; Neoplastic Syndromes, Hereditary; Tumor predisposition; Hereditary neoplastic syndrome. Identifiers: Orphanet 140162, MedGen C0027672, MeSH D009386, MONDO:0015356.

Submissions (2):

Sema4
Classification: Uncertain significance for Hereditary cancer-predisposing syndrome. Last evaluated: 2021-06-28. Review status: criteria provided, single submitter. Criteria: Sema4 Curation Guidelines. Collection method: curation. Allele origin: germline.
Comment: To the best of our knowledge, the PMS2 c.1022G>C (p.R341T) variant has not been reported in individuals with PMS2-related disease. It was not observed in the large and broad cohorts of the Genome Aggregation Database. The variant has been reported in ClinVar (Variation ID: 480308). In silico tools suggest the impact of the variant on protein function is deleterious, though these predictions have not been confirmed by functional studies. The evidence is insufficient to meet ACMG/AMP criteria for classifying the variant as benign or pathogenic. Thus, the clinical significance of this variant is currently uncertain.

Ambry Genetics
Classification: Uncertain significance for Hereditary cancer-predisposing syndrome. Last evaluated: 2016-01-06. Review status: criteria provided, single submitter. Criteria: Ambry Variant Classification Scheme 2023. Collection method: clinical testing. Allele origin: germline.
Comment: The p.R341T variant (also known as c.1022G>C), located in coding exon 10 of the PMS2 gene, results from a G to C substitution at nucleotide position 1022. The arginine at codon 341 is replaced by threonine, an amino acid with similar properties. This variant was not reported in population based cohorts in the following databases: Database of Single Nucleotide Polymorphisms (dbSNP), NHLBI Exome Sequencing Project (ESP), and 1000 Genomes Project. In the ESP, this variant was not observed in 6503 samples (13006 alleles) with coverage at this position. To date, this alteration has been detected with an allele frequency of approximately 0.001% (greater than 110000 alleles tested) in our clinical cohort. This amino acid position is highly conserved in available vertebrate species. In addition, this alteration is predicted to be deleterious by in silico analysis. Since supporting evidence is limited at this time, the clinical significance of p.R341T remains unclear.